The following is an entry in ClinVar:

NM_014249.4(NR2E3):c.983T>C (p.Leu328Pro)

Gene: NR2E3 (nuclear receptor subfamily 2 group E member 3; plus strand). Cytogenetic location: 15q23.
Variant type: single nucleotide variant.
Coding change: c.983T>C on transcript NM_014249.4 (MANE Select); coding-DNA position 983, T replaced by C.
Protein change: p.Leu328Pro; replaces leucine 328 with proline.
Molecular consequence: missense variant.
Genome position (GRCh38, 1-based): chr15:71,813,624, T>C. VCF-style: chr15-71813624-T-C. GRCh37 (hg19) VCF-style: chr15-72105965-T-C.
Other names: c.983T>C, p.Leu328Pro (NM_016346.4); short protein forms L328P.
Identifiers: ClinVar variation 2070040 (VCV002070040.4), dbSNP rs2543256582, ClinGen allele CA393038073.
Genomic context (GRCh38, chr15:71,813,624, plus strand): 5'-CTCGGTTCCGGGCATTGGCGGTGGACCCCACGGAGTTTGCCTGCATGAAGGCCTTGGTCC[T>C]CTTCAAGCCAGGTAACTGAGTCTCTGCCCAAACCTTGAGTGGGAATTCTGGTGACTTCCA-3'
Protein context (NP_055064.1, residues 318-338): TEFACMKALV[Leu328Pro]FKPETRGLKD

ClinVar aggregate classification (germline): Uncertain significance (1 of 4 stars; one submission).

Submission:

Labcorp Genetics (formerly Invitae), Labcorp
Classification: Uncertain significance. Last evaluated: 2024-11-05. Review status: criteria provided, single submitter. Criteria: Invitae Variant Classification Sherloc (09022015). Collection method: clinical testing. Allele origin: germline.
Comment: This sequence change replaces leucine, which is neutral and non-polar, with proline, which is neutral and non-polar, at codon 328 of the NR2E3 protein (p.Leu328Pro). This variant is not present in population databases (gnomAD no frequency). This variant has not been reported in the literature in individuals affected with NR2E3-related conditions. ClinVar contains an entry for this variant (Variation ID: 2070040). Invitae Evidence Modeling of protein sequence and biophysical properties (such as structural, functional, and spatial information, amino acid conservation, physicochemical variation, residue mobility, and thermodynamic stability) indicates that this missense variant is expected to disrupt NR2E3 protein function with a positive predictive value of 80%. In summary, the available evidence is currently insufficient to determine the role of this variant in disease. Therefore, it has been classified as a Variant of Uncertain Significance.